The following is an entry in ClinVar:

NM_000501.4(ELN):c.1858G>A (p.Gly620Arg)

Gene: ELN (elastin; plus strand). Cytogenetic location: 7q11.23.
Variant type: single nucleotide variant.
Coding change: c.1858G>A on transcript NM_000501.4 (MANE Select); coding-DNA position 1858, G replaced by A.
Protein change: p.Gly620Arg; replaces glycine 620 with arginine.
Molecular consequence: missense variant.
Genome position (GRCh38, 1-based): chr7:74,063,224, G>A. VCF-style: chr7-74063224-G-A. GRCh37 (hg19) VCF-style: chr7-73477554-G-A.
Other names: c.1771G>A, p.Gly591Arg (NM_001081752.3); c.1816G>A, p.Gly606Arg (NM_001081753.3); c.1873G>A, p.Gly625Arg (NM_001081754.3); c.1801G>A, p.Gly601Arg (NM_001081755.3); c.1858G>A, p.Gly620Arg (NM_001278912.2); c.1615G>A, p.Gly539Arg (NM_001278913.2); c.1786G>A, p.Gly596Arg (NM_001278914.2); c.1876G>A, p.Gly626Arg (NM_001278915.2); and 4 more; short protein forms G531R, G539R, G620R, G626R, G591R, G596R, G610R, G682R.
Identifiers: ClinVar variation 4723607 (VCV004723607.1).

ClinVar aggregate classification (germline): Uncertain significance (1 of 4 stars; one submission).

Conditions:
Supravalvar aortic stenosis (SVAS). Also called: Supravalvar aortic stenosis, Eisenberg type. Identifiers: Orphanet 3193, MedGen C0003499, MONDO:0008504, OMIM 185500, HP:0004381.

Submission:

Labcorp Genetics (formerly Invitae), Labcorp
Classification: Uncertain significance for Supravalvar aortic stenosis. Last evaluated: 2025-07-21. Review status: criteria provided, single submitter. Criteria: Invitae Variant Classification Sherloc (09022015). Collection method: clinical testing. Allele origin: germline.
Comment: This sequence change replaces glycine, which is neutral and non-polar, with arginine, which is basic and polar, at codon 682 of the ELN protein (p.Gly682Arg). This variant also falls at the last nucleotide of exon 28, which is part of the consensus splice site for this exon. This variant is not present in population databases (gnomAD no frequency). This variant has not been reported in the literature in individuals affected with ELN-related conditions. Experimental studies and prediction algorithms are not available or were not evaluated, and the functional significance of this variant is currently unknown. Variants that disrupt the consensus splice site are a relatively common cause of aberrant splicing (PMID: 17576681, 9536098). Algorithms developed to predict the effect of sequence changes on RNA splicing suggest that this variant may disrupt the consensus splice site. In summary, the available evidence is currently insufficient to determine the role of this variant in disease. Therefore, it has been classified as a Variant of Uncertain Significance.

Literature cited by the submitters: PubMed 17576681; PubMed 9536098.